The following is an entry in ClinVar:

ClinVar aggregate classification (germline): Uncertain significance (1 of 4 stars; one submission).

Conditions:
Hereditary spastic paraplegia 39 (SPG39). Also called: Spastic Paraplegia Type 39 (SPG39); SPASTIC PARAPLEGIA 39, AUTOSOMAL RECESSIVE. Identifiers: Orphanet 139480, MedGen C2677586, MONDO:0012787, OMIM 612020.

Allele frequency attached by ClinVar (database versions not stated): gnomAD exomes below 0.00001; gnomAD 0.00001.
gnomAD v4.1: 2 of 1,608,360 alleles (0.00012%); highest among the groups gnomAD compares: African/African-American, 0.0027%; no homozygotes.

Submission:

Labcorp Genetics (formerly Invitae), Labcorp
Classification: Uncertain significance for Hereditary spastic paraplegia 39. Last evaluated: 2021-11-13. Review status: criteria provided, single submitter. Criteria: Invitae Variant Classification Sherloc (09022015). Collection method: clinical testing. Allele origin: germline.
Comment: In summary, the available evidence is currently insufficient to determine the role of this variant in disease. Therefore, it has been classified as a Variant of Uncertain Significance. Algorithms developed to predict the effect of missense changes on protein structure and function are either unavailable or do not agree on the potential impact of this missense change (SIFT: "Deleterious"; PolyPhen-2: "Benign"; Align-GVGD: "Class C0"). This variant has not been reported in the literature in individuals affected with PNPLA6-related conditions. This variant is not present in population databases (gnomAD no frequency). This sequence change replaces proline, which is neutral and non-polar, with leucine, which is neutral and non-polar, at codon 1317 of the PNPLA6 protein (p.Pro1317Leu).

NM_001166114.2(PNPLA6):c.4064C>T (p.Pro1355Leu)

Gene: PNPLA6 (patatin like domain 6, lysophospholipase; plus strand). Cytogenetic location: 19p13.2.
Variant type: single nucleotide variant.
Coding change: c.4064C>T on transcript NM_001166114.2 (MANE Select); coding-DNA position 4064, C replaced by T.
Protein change: p.Pro1355Leu; replaces proline 1355 with leucine.
Molecular consequence: missense variant.
Genome position (GRCh38, 1-based): chr19:7,561,528, C>T. VCF-style: chr19-7561528-C-T. GRCh37 (hg19) VCF-style: chr19-7626414-C-T.
Other names: c.4094C>T, p.Pro1365Leu (NM_001166111.2); c.3869C>T, p.Pro1290Leu (NM_001166112.2); c.3950C>T, p.Pro1317Leu (NM_001166113.1, NM_006702.5); short protein forms P1290L, P1355L, P1317L, P1365L.
Identifiers: ClinVar variation 1393574 (VCV001393574.6), dbSNP rs2024101144, ClinGen allele CA403139968.